The following is an entry in ClinVar:

ClinVar aggregate classification (germline): Uncertain significance (1 of 4 stars; one submission).

Submission:

Labcorp Genetics (formerly Invitae), Labcorp
Classification: Uncertain significance. Last evaluated: 2023-07-21. Review status: criteria provided, single submitter. Criteria: Invitae Variant Classification Sherloc (09022015). Collection method: clinical testing. Allele origin: germline.
Comment: This sequence change results in a frameshift in the NEUROG3 gene (p.Ala209Trpfs*19). While this is not anticipated to result in nonsense mediated decay, it is expected to disrupt the last 6 amino acid(s) of the NEUROG3 protein and extend the protein by 12 additional amino acid residues. This variant is not present in population databases (gnomAD no frequency). This variant has not been reported in the literature in individuals affected with NEUROG3-related conditions. In summary, the available evidence is currently insufficient to determine the role of this variant in disease. Therefore, it has been classified as a Variant of Uncertain Significance.

NM_020999.4(NEUROG3):c.622_623dup (p.Ala209fs)

Gene: NEUROG3 (neurogenin 3; minus strand). Cytogenetic location: 10q22.1.
Variant type: Duplication.
Coding change: c.622_623dup on transcript NM_020999.4 (MANE Select); coding-DNA positions 622 to 623, 2 bases duplicated (CT; older notation c.622_623dupCT).
Protein change: p.Ala209fs; shifts the reading frame from alanine 209.
Molecular consequence: frameshift variant.
Genome position (GRCh38, 1-based): chr10:69,572,421-69,572,422, AG duplicated on the plus strand (CT on the coding strand, the reverse complement: NEUROG3 is on the minus strand); duplicating any 2 consecutive bases within chr10:69,572,421-69,572,423 gives the same sequence; the c. name uses the placement nearest the transcript's 3' end. VCF-style (leftmost placement, unchanged base first): chr10-69572420-C-CAG. GRCh37 (hg19) VCF-style: chr10-71332176-C-CAG.
Other names: short protein forms A209fs.
Identifiers: ClinVar variation 2982764 (VCV002982764.2), dbSNP rs2540709262, ClinGen allele CA2574577607.